The following is an entry in ClinVar:

NM_001376.5(DYNC1H1):c.6353G>A (p.Arg2118Gln)

Gene: DYNC1H1 (dynein cytoplasmic 1 heavy chain 1; plus strand). Cytogenetic location: 14q32.31.
Variant type: single nucleotide variant.
Coding change: c.6353G>A on transcript NM_001376.5 (MANE Select); coding-DNA position 6353, G replaced by A.
Protein change: p.Arg2118Gln; replaces arginine 2118 with glutamine.
Molecular consequence: missense variant.
Genome position (GRCh38, 1-based): chr14:102,010,407, G>A. VCF-style: chr14-102010407-G-A. GRCh37 (hg19) VCF-style: chr14-102476744-G-A.
Other names: short protein forms R2118Q.
Identifiers: ClinVar variation 408981 (VCV000408981.13), dbSNP rs1060502207, ClinGen allele CA16614090.

ClinVar aggregate classification (germline): Uncertain significance. Review status: criteria provided, multiple submitters, no conflicts (2 of 4 stars). 2 submissions from 2 submitters: Uncertain significance (2). Last evaluated 2023-08-16.

Conditions:
Inborn genetic diseases. Identifiers: MedGen C0950123, MeSH D030342.
Charcot-Marie-Tooth disease axonal type 2O. Also called: CHARCOT-MARIE-TOOTH NEUROPATHY, AXONAL, TYPE 2O; CHARCOT-MARIE-TOOTH DISEASE, AXONAL, AUTOSOMAL DOMINANT, TYPE 2O; Charcot-Marie-Tooth Neuropathy Type 2O; Charcot-Marie-Tooth disease, axonal, type 20. Identifiers: Orphanet 284232, MedGen C3280220, MONDO:0013644, OMIM 614228.

Allele frequency attached by ClinVar (database versions not stated): TOPMed 0.00002.
gnomAD v4.1: 1 of 1,614,190 alleles (0.000062%); no homozygotes.

Submissions (2):

Labcorp Genetics (formerly Invitae), Labcorp
Classification: Uncertain significance for Charcot-Marie-Tooth disease axonal type 2O. Last evaluated: 2023-08-16. Review status: criteria provided, single submitter. Criteria: Invitae Variant Classification Sherloc (09022015). Collection method: clinical testing. Allele origin: germline.
Comment: This sequence change replaces arginine, which is basic and polar, with glutamine, which is neutral and polar, at codon 2118 of the DYNC1H1 protein (p.Arg2118Gln). This variant is not present in population databases (gnomAD no frequency). This variant has not been reported in the literature in individuals affected with DYNC1H1-related conditions. ClinVar contains an entry for this variant (Variation ID: 408981). Advanced modeling of protein sequence and biophysical properties (such as structural, functional, and spatial information, amino acid conservation, physicochemical variation, residue mobility, and thermodynamic stability) performed at Invitae indicates that this missense variant is not expected to disrupt DYNC1H1 protein function. In summary, the available evidence is currently insufficient to determine the role of this variant in disease. Therefore, it has been classified as a Variant of Uncertain Significance.

Ambry Genetics
Classification: Uncertain significance for Inborn genetic diseases. Last evaluated: 2023-04-03. Review status: criteria provided, single submitter. Criteria: Ambry Variant Classification Scheme 2023. Collection method: clinical testing. Allele origin: germline.